The following is an entry in ClinVar:

NM_001329943.3(KIAA0586):c.272A>G (p.Asp91Gly)

Gene: KIAA0586 (KIAA0586; plus strand). Cytogenetic location: 14q23.1.
Variant type: single nucleotide variant.
Coding change: c.272A>G on transcript NM_001329943.3 (MANE Select); coding-DNA position 272, A replaced by G.
Protein change: p.Asp91Gly; replaces aspartic acid 91 with glycine.
Molecular consequence: missense variant.
Genome position (GRCh38, 1-based): chr14:58,430,649, A>G. VCF-style: chr14-58430649-A-G. GRCh37 (hg19) VCF-style: chr14-58897367-A-G.
Other names: c.308A>G, p.Asp103Gly (NM_001244189.2); c.227A>G, p.Asp76Gly (NM_001244190.2); c.17A>G, p.Asp6Gly (NM_001244191.2, NM_001244192.2, NM_001329945.2 and 2 more transcripts); c.272A>G, p.Asp91Gly (NM_001329944.2, NM_001329946.2, NM_001329947.2 and 1 more transcripts); short protein forms D76G, D103G, D6G, D91G.
Identifiers: ClinVar variation 1963408 (VCV001963408.5), dbSNP rs777299156, ClinGen allele CA7205323.

ClinVar aggregate classification (germline): Uncertain significance (1 of 4 stars; one submission).

Conditions:
Short-rib thoracic dysplasia 14 with polydactyly (SRTD14). Identifiers: Orphanet 397715, MedGen C4225286, MONDO:0014688, OMIM 616546.
Joubert syndrome 23 (JBTS23). Identifiers: Orphanet 475, MedGen C4084822, MONDO:0014664, OMIM 616490.

Allele frequency attached by ClinVar (database versions not stated): ExAC 0.00001; gnomAD exomes 0.00003.
gnomAD v4.1: 44 of 1,588,936 alleles (0.0028%); highest among the groups gnomAD compares: Non-Finnish European, 0.0034%; no homozygotes.

Submission:

Labcorp Genetics (formerly Invitae), Labcorp
Classification: Uncertain significance for Joubert syndrome 23; Short-rib thoracic dysplasia 14 with polydactyly. Last evaluated: 2022-06-07. Review status: criteria provided, single submitter. Criteria: Invitae Variant Classification Sherloc (09022015). Collection method: clinical testing. Allele origin: germline.
Comment: This sequence change replaces aspartic acid, which is acidic and polar, with glycine, which is neutral and non-polar, at codon 103 of the KIAA0586 protein (p.Asp103Gly). This variant is present in population databases (rs777299156, gnomAD 0.002%). This variant has not been reported in the literature in individuals affected with KIAA0586-related conditions. Algorithms developed to predict the effect of missense changes on protein structure and function output the following: SIFT: "Tolerated"; PolyPhen-2: "Benign"; Align-GVGD: "Class C0". The glycine amino acid residue is found in multiple mammalian species, which suggests that this missense change does not adversely affect protein function. In summary, the available evidence is currently insufficient to determine the role of this variant in disease. Therefore, it has been classified as a Variant of Uncertain Significance.